The following is an entry in ClinVar:

NC_000002.12:g.121530949G>C

Genes: CLASP1 (cytoplasmic linker associated protein 1; minus strand), CLASP1-AS1 (CLASP1 antisense RNA 1; plus strand), RNU4ATAC (RNA, U4atac small nuclear; plus strand). Cytogenetic location: 2q14.2.
Variant type: single nucleotide variant.
Molecular consequence: intron variant (on NM_001395891.1).
Genome position: GRCh38 VCF-style: chr2-121530949-G-C. GRCh37 (hg19) VCF-style: chr2-122288525-G-C.
Other names: c.196-624C>G (NM_001142274.2, NM_015282.3, NM_001378003.1 and 5 more transcripts).
Identifiers: ClinVar variation 1350032 (VCV001350032.4), dbSNP rs769219094, ClinGen allele CA1854718.

ClinVar aggregate classification (germline): Uncertain significance (1 of 4 stars; one submission).

Allele frequency attached by ClinVar (database versions not stated): ExAC 0.00009.
gnomAD v4.1: 39 of 700,268 alleles (0.0056%); highest among the groups gnomAD compares: East Asian, 0.048%; no homozygotes.

Submission:

Labcorp Genetics (formerly Invitae), Labcorp
Classification: Uncertain significance. Last evaluated: 2024-12-12. Review status: criteria provided, single submitter. Criteria: Invitae Variant Classification Sherloc (09022015). Collection method: clinical testing. Allele origin: germline.
Comment: This variant occurs in the RNU4ATAC gene, which encodes an RNA molecule that does not result in a protein product. This variant is present in population databases (rs769219094, gnomAD 0.1%). This variant has not been reported in the literature in individuals affected with RNU4ATAC-related conditions. ClinVar contains an entry for this variant (Variation ID: 1350032). Experimental studies and prediction algorithms are not available or were not evaluated, and the functional significance of this variant is currently unknown. In summary, the available evidence is currently insufficient to determine the role of this variant in disease. Therefore, it has been classified as a Variant of Uncertain Significance.